The following is an entry in ClinVar:

NM_000540.3(RYR1):c.9172+4A>G

Gene: RYR1 (ryanodine receptor 1; plus strand). Cytogenetic location: 19q13.2.
Variant type: single nucleotide variant.
Coding change: c.9172+4A>G on transcript NM_000540.3 (MANE Select); 4 bases into the intron after coding-DNA position 9172, A replaced by G.
Molecular consequence: intron variant.
Genome position (GRCh38, 1-based): chr19:38,511,614, A>G. VCF-style: chr19-38511614-A-G. GRCh37 (hg19) VCF-style: chr19-39002254-A-G.
Other names: c.9172+4A>G (NM_001042723.2).
Identifiers: ClinVar variation 4756137 (VCV004756137.1).

ClinVar aggregate classification (germline): Uncertain significance (1 of 4 stars; one submission).

Conditions:
Malignant hyperthermia, susceptibility to, 1 (MHS1). Also called: RYR1-Related Malignant Hyperthermia Susceptibility; Malignant hyperthermia suceptibility 1; Anesthesia related hyperthermia; Malignant hyperpyrexia; Fulminating hyperpyrexia; Pharmacogenic myopathy. Identifiers: Orphanet 423, MedGen C2930980, MONDO:0007783, OMIM 145600.

gnomAD v4.1: 10 of 1,613,878 alleles (0.00062%); highest among the groups gnomAD compares: Non-Finnish European, 0.00085%; no homozygotes.

Submission:

Color Diagnostics, LLC DBA Color Health
Classification: Uncertain significance for Malignant hyperthermia, susceptibility to, 1. Last evaluated: 2025-09-01. Review status: criteria provided, single submitter. Criteria: ACMG Guidelines, 2015. Collection method: clinical testing. Allele origin: germline.
Comment: This variant causes an A to G nucleotide substitution at the +4 position of intron 61 of the RYR1 gene. To our knowledge, functional studies have not been reported for this variant. This variant has not been reported in individuals affected with RYR1-related disorders in the literature. This variant has not been identified in the general population by the Genome Aggregation Database (gnomAD). The available evidence is insufficient to determine the role of this variant in disease conclusively. Therefore, this variant is classified as a Variant of Uncertain Significance.